The following is an entry in ClinVar:

NM_032228.6(FAR1):c.1000G>A (p.Ala334Thr)

Gene: FAR1 (fatty acyl-CoA reductase 1; plus strand). Cytogenetic location: 11p15.3.
Variant type: single nucleotide variant.
Coding change: c.1000G>A on transcript NM_032228.6 (MANE Select); coding-DNA position 1000, G replaced by A.
Protein change: p.Ala334Thr; replaces alanine 334 with threonine.
Molecular consequence: missense variant.
Genome position (GRCh38, 1-based): chr11:13,714,553, G>A. VCF-style: chr11-13714553-G-A. GRCh37 (hg19) VCF-style: chr11-13736100-G-A.
Other names: short protein forms A334T.
Identifiers: ClinVar variation 1368353 (VCV001368353.8), dbSNP rs1033863884, ClinGen allele CA218131061.

ClinVar aggregate classification (germline): Uncertain significance (1 of 4 stars; one submission).

Allele frequency attached by ClinVar (database versions not stated): gnomAD exomes 0.00003.
gnomAD v4.1: 15 of 1,612,790 alleles (0.00093%); highest among the groups gnomAD compares: East Asian, 0.033%; no homozygotes.

Submission:

Labcorp Genetics (formerly Invitae), Labcorp
Classification: Uncertain significance. Last evaluated: 2022-01-13. Review status: criteria provided, single submitter. Criteria: Invitae Variant Classification Sherloc (09022015). Collection method: clinical testing. Allele origin: germline.
Comment: In summary, the available evidence is currently insufficient to determine the role of this variant in disease. Therefore, it has been classified as a Variant of Uncertain Significance. Algorithms developed to predict the effect of missense changes on protein structure and function (SIFT, PolyPhen-2, Align-GVGD) all suggest that this variant is likely to be tolerated. This variant has not been reported in the literature in individuals affected with FAR1-related conditions. This variant is not present in population databases (gnomAD no frequency). This sequence change replaces alanine, which is neutral and non-polar, with threonine, which is neutral and polar, at codon 334 of the FAR1 protein (p.Ala334Thr).